The following is an entry in ClinVar:

NM_001394062.1(MACF1):c.15129C>T (p.Ala5043=)

Gene: MACF1 (microtubule actin crosslinking factor 1; plus strand). Cytogenetic location: 1p34.3.
Variant type: single nucleotide variant.
Coding change: c.15129C>T on transcript NM_001394062.1 (MANE Select); coding-DNA position 15129, C replaced by T.
Protein change: p.Ala5043=; no amino-acid change (alanine 5043 retained).
Molecular consequence: synonymous variant.
Genome position (GRCh38, 1-based): chr1:39,387,971, C>T. VCF-style: chr1-39387971-C-T. GRCh37 (hg19) VCF-style: chr1-39853643-C-T.
Other names: c.8943C>T, p.Ala2981= (NM_012090.5).
Identifiers: ClinVar variation 2179970 (VCV002179970.13), dbSNP rs141782558, ClinGen allele CA782350.

ClinVar aggregate classification (germline): Likely benign. Review status: criteria provided, multiple submitters, no conflicts (2 of 4 stars). 4 submissions from 4 submitters: Likely benign (3). 1 of the submissions does not count toward it. Last evaluated 2026-01-19.

Conditions:
MACF1-related disorder. Also called: MACF1-related condition.

Allele frequency attached by ClinVar (database versions not stated): TOPMed 0.00004; gnomAD 0.00005; gnomAD exomes 0.00007; ESP Exome Variant Server 0.00008; ExAC 0.00013; 1000 Genomes Project 30x 0.00016; 1000 Genomes Project 0.00020.
gnomAD v4.1: 115 of 1,614,014 alleles (0.0071%); highest among the groups gnomAD compares: Middle Eastern, 0.016%; no homozygotes.

Submissions (4):

Labcorp Genetics (formerly Invitae), Labcorp
Classification: Likely benign. Last evaluated: 2026-01-19. Review status: criteria provided, single submitter. Criteria: Invitae Variant Classification Sherloc (09022015). Collection method: clinical testing. Allele origin: germline.

CeGaT Center for Human Genetics Tuebingen
Classification: Likely benign. Last evaluated: 2025-10-01. Review status: criteria provided, single submitter. Criteria: CeGaT Center For Human Genetics Tuebingen Variant Classification Criteria Version 2. Collection method: clinical testing. Allele origin: germline. Affected: yes. Observed: 1 variant allele.
Comment: MACF1: BP4

Blueprint Genetics
Classification: Likely benign. Last evaluated: 2024-10-09. Review status: criteria provided, single submitter. Criteria: ACMG Guidelines, 2015. Collection method: clinical testing. Allele origin: germline.

PreventionGenetics, part of Exact Sciences
Classification: Likely benign for MACF1-related condition. Last evaluated: 2019-06-24. Review status: no assertion criteria provided. Collection method: clinical testing. Allele origin: germline. Not counted in ClinVar's aggregate classification.
Comment: This variant is classified as likely benign based on ACMG/AMP sequence variant interpretation guidelines (Richards et al. 2015 PMID: 25741868, with internal and published modifications).